The following is an entry in ClinVar:

NM_005912.3(MC4R):c.608C>T (p.Thr203Ile)

Gene: MC4R (melanocortin 4 receptor; minus strand). Cytogenetic location: 18q21.32.
Variant type: single nucleotide variant.
Coding change: c.608C>T on transcript NM_005912.3 (MANE Select); coding-DNA position 608, C replaced by T.
Protein change: p.Thr203Ile; replaces threonine 203 with isoleucine.
Molecular consequence: missense variant.
Genome position (GRCh38, 1-based): chr18:60,371,742, G>A on the plus strand (C>T on the coding strand, the complement: MC4R is on the minus strand). VCF-style: chr18-60371742-G-A. GRCh37 (hg19) VCF-style: chr18-58038975-G-A.
Other names: short protein forms T203I.
Identifiers: ClinVar variation 3345001 (VCV003345001.1).

ClinVar aggregate classification (germline): Uncertain significance (0 of 4 stars; one submission).

Conditions:
MC4R-related disorder. Also called: MC4R-related condition.

Submission:

PreventionGenetics, part of Exact Sciences
Classification: Uncertain significance for MC4R-related condition. Last evaluated: 2024-07-30. Review status: no assertion criteria provided. Collection method: clinical testing. Allele origin: germline.
Comment: The MC4R c.608C>T variant is predicted to result in the amino acid substitution p.Thr203Ile. To our knowledge, this variant has not been reported in the literature or in a large population database, indicating this variant is rare. At this time, the clinical significance of this variant is uncertain due to the absence of conclusive functional and genetic evidence.